The following is an entry in ClinVar:

NM_005876.5(SPEG):c.1688A>G (p.Lys563Arg)

Gene: SPEG (striated muscle enriched protein kinase; plus strand). Cytogenetic location: 2q35.
Variant type: single nucleotide variant.
Coding change: c.1688A>G on transcript NM_005876.5 (MANE Select); coding-DNA position 1688, A replaced by G.
Protein change: p.Lys563Arg; replaces lysine 563 with arginine.
Molecular consequence: missense variant.
Genome position (GRCh38, 1-based): chr2:219,448,846, A>G. VCF-style: chr2-219448846-A-G. GRCh37 (hg19) VCF-style: chr2-220313568-A-G.
Other names: short protein forms K563R.
Identifiers: ClinVar variation 1347574 (VCV001347574.7), dbSNP rs1454784472, ClinGen allele CA350723031.
Genomic context (GRCh38, chr2:219,448,846, plus strand): 5'-AGACATCGCGGGCCGTGAGCCCCGCCGCCGCCCAGCCGCCCTCTCCGAGCAGCGCGGAGA[A>G]GCCGGGGGACGAGCCTGGGAGGCCCAGGAGCCGCGGGCCGGCGGGCAGGACAGAGCCGGG-3'
Protein context (NP_005867.3, residues 553-573): AQPPSPSSAE[Lys563Arg]PGDEPGRPRS

ClinVar aggregate classification (germline): Uncertain significance (1 of 4 stars; one submission).

Allele frequency attached by ClinVar (database versions not stated): TOPMed below 0.00001; gnomAD exomes 0.00002.
gnomAD v4.1: 22 of 1,400,312 alleles (0.0016%); highest among the groups gnomAD compares: Non-Finnish European, 0.002%; no homozygotes.

Submission:

Labcorp Genetics (formerly Invitae), Labcorp
Classification: Uncertain significance. Last evaluated: 2021-04-23. Review status: criteria provided, single submitter. Criteria: Invitae Variant Classification Sherloc (09022015). Collection method: clinical testing. Allele origin: germline.
Comment: In summary, the available evidence is currently insufficient to determine the role of this variant in disease. Therefore, it has been classified as a Variant of Uncertain Significance. Algorithms developed to predict the effect of missense changes on protein structure and function output the following: SIFT: "Tolerated"; PolyPhen-2: "Benign"; Align-GVGD: "Class C0". The arginine amino acid residue is found in multiple mammalian species, suggesting that this missense change does not adversely affect protein function. These predictions have not been confirmed by published functional studies and their clinical significance is uncertain. This variant has not been reported in the literature in individuals with SPEG-related conditions. The frequency data for this variant in the population databases is considered unreliable, as metrics indicate insufficient coverage at this position in the ExAC database. This sequence change replaces lysine with arginine at codon 563 of the SPEG protein (p.Lys563Arg). The lysine residue is moderately conserved and there is a small physicochemical difference between lysine and arginine.